The following is an entry in ClinVar:

ClinVar aggregate classification (germline): Uncertain significance (1 of 4 stars; one submission).

Conditions:
Kabuki syndrome. Also called: NIIKAWA-KUROKI SYNDROME; Kabuki make-up syndrome. Identifiers: Orphanet 2322, MedGen C0796004, MONDO:0016512.

Submission:

Labcorp Genetics (formerly Invitae), Labcorp
Classification: Uncertain significance for Kabuki syndrome. Last evaluated: 2022-06-14. Review status: criteria provided, single submitter. Criteria: Invitae Variant Classification Sherloc (09022015). Collection method: clinical testing. Allele origin: germline.
Comment: In summary, the available evidence is currently insufficient to determine the role of this variant in disease. Therefore, it has been classified as a Variant of Uncertain Significance. Advanced modeling of protein sequence and biophysical properties (such as structural, functional, and spatial information, amino acid conservation, physicochemical variation, residue mobility, and thermodynamic stability) performed at Invitae indicates that this missense variant is not expected to disrupt KMT2D protein function. This variant has not been reported in the literature in individuals affected with KMT2D-related conditions. This variant is not present in population databases (gnomAD no frequency). This sequence change replaces alanine, which is neutral and non-polar, with aspartic acid, which is acidic and polar, at codon 2491 of the KMT2D protein (p.Ala2491Asp).

NM_003482.4(KMT2D):c.7472C>A (p.Ala2491Asp)

Gene: KMT2D (lysine methyltransferase 2D; minus strand). Cytogenetic location: 12q13.12.
Variant type: single nucleotide variant.
Coding change: c.7472C>A on transcript NM_003482.4 (MANE Select); coding-DNA position 7472, C replaced by A.
Protein change: p.Ala2491Asp; replaces alanine 2491 with aspartic acid.
Molecular consequence: missense variant.
Genome position (GRCh38, 1-based): chr12:49,040,298, G>T on the plus strand (C>A on the coding strand, the complement: KMT2D is on the minus strand). VCF-style: chr12-49040298-G-T. GRCh37 (hg19) VCF-style: chr12-49434081-G-T.
Other names: short protein forms A2491D.
Identifiers: ClinVar variation 2006561 (VCV002006561.4), dbSNP rs2498396598, ClinGen allele CA384747636.
Genomic context (GRCh38, chr12:49,040,298, plus strand): 5'-GGGACCTTGGCATGGAGCTCACCTGCTGGCCCCGCGGGCAGGGCTGCTGGGAACCCCCCA[G>T]CCCCCAGCGAAGTGTGGGCTAGAGACCCAGCCTTAAAGGCAACTTCAGGGGGCTGGGGTC-3'
Protein context (NP_003473.3, residues 2481-2501): AGSLAHTSLG[Ala2491Asp]GGFPAALPAG